The following is an entry in ClinVar:

NM_000632.4(ITGAM):c.1168A>G (p.Ile390Val)

Gene: ITGAM (integrin subunit alpha M; plus strand). Cytogenetic location: 16p11.2.
Variant type: single nucleotide variant.
Coding change: c.1168A>G on transcript NM_000632.4 (MANE Select); coding-DNA position 1168, A replaced by G.
Protein change: p.Ile390Val; replaces isoleucine 390 with valine.
Molecular consequence: missense variant.
Genome position (GRCh38, 1-based): chr16:31,277,004, A>G. VCF-style: chr16-31277004-A-G. GRCh37 (hg19) VCF-style: chr16-31288325-A-G.
Other names: c.1168A>G, p.Ile390Val (NM_001145808.2); short protein forms I390V.
Identifiers: ClinVar variation 2840282 (VCV002840282.3), dbSNP rs1315331633, ClinGen allele CA395699480.

ClinVar aggregate classification (germline): Uncertain significance (1 of 4 stars; one submission).

gnomAD v4.1: 1 of 1,613,320 alleles (0.000062%); highest among the groups gnomAD compares: Admixed American, 0.0017%; no homozygotes.

Submission:

Labcorp Genetics (formerly Invitae), Labcorp
Classification: Uncertain significance. Last evaluated: 2023-02-23. Review status: criteria provided, single submitter. Criteria: Invitae Variant Classification Sherloc (09022015). Collection method: clinical testing. Allele origin: germline.
Comment: In summary, the available evidence is currently insufficient to determine the role of this variant in disease. Therefore, it has been classified as a Variant of Uncertain Significance. An algorithm developed to predict the effect of missense changes on protein structure and function (PolyPhen-2) suggests that this variant is likely to be tolerated. This variant has not been reported in the literature in individuals affected with ITGAM-related conditions. This variant is present in population databases (no rsID available, gnomAD 0.003%). This sequence change replaces isoleucine, which is neutral and non-polar, with valine, which is neutral and non-polar, at codon 390 of the ITGAM protein (p.Ile390Val).